The following is an entry in ClinVar:

ClinVar aggregate classification (germline): Pathogenic/Likely pathogenic. Review status: criteria provided, multiple submitters, no conflicts (2 of 4 stars). 2 submissions from 2 submitters: Pathogenic (1); Likely pathogenic (1). Last evaluated 2025-03-27.

Conditions:
Juvenile myelomonocytic leukemia (JMML). Also called: LEUKEMIA, JUVENILE MYELOMONOCYTIC, SOMATIC. Identifiers: Orphanet 86834, MedGen C0349639, MONDO:0011908, OMIM 607785, HP:0012209.
Neurofibromatosis, type 1 (NF1). Also called: NEUROFIBROMATOSIS, TYPE I, SOMATIC; Peripheral type neurofibromatosis; VON RECKLINGHAUSEN DISEASE; Neurofibromatosis, type I. Identifiers: Orphanet 636, MedGen C0027831, MONDO:0018975, OMIM 162200. Disease mechanism: loss of function.

Submissions (2):

Labcorp Genetics (formerly Invitae), Labcorp
Classification: Pathogenic for Neurofibromatosis, type 1. Last evaluated: 2025-03-27. Review status: criteria provided, single submitter. Criteria: Invitae Variant Classification Sherloc (09022015). Collection method: clinical testing. Allele origin: germline.
Comment: This sequence change creates a premature translational stop signal (p.Thr2443Leufs*25) in the NF1 gene. It is expected to result in an absent or disrupted protein product. Loss-of-function variants in NF1 are known to be pathogenic (PMID: 10712197, 23913538). This variant is not present in population databases (gnomAD no frequency). This variant has not been reported in the literature in individuals affected with NF1-related conditions. ClinVar contains an entry for this variant (Variation ID: 2677216). For these reasons, this variant has been classified as Pathogenic.

Baylor Genetics
Classification: Likely pathogenic for Juvenile myelomonocytic leukemia. Last evaluated: 2023-05-30. Review status: criteria provided, single submitter. Criteria: ACMG Guidelines, 2015. Collection method: clinical testing. Allele origin: unknown.

Literature cited by the submitters: PubMed 10712197 (cited by Labcorp Genetics (formerly Invitae), Labcorp); PubMed 23913538 (cited by Labcorp Genetics (formerly Invitae), Labcorp).

NM_001042492.3(NF1):c.7387del (p.Thr2464fs)

Gene: NF1 (neurofibromin 1; plus strand). Cytogenetic location: 17q11.2.
Variant type: Deletion.
Coding change: c.7387del on transcript NM_001042492.3 (MANE Select); coding-DNA position 7387, one base deleted (C; older notation c.7387delC).
Protein change: p.Thr2464fs; shifts the reading frame from threonine 2464.
Molecular consequence: frameshift variant.
Genome position (GRCh38, 1-based): chr17:31,350,248, C deleted. VCF-style (leftmost placement, unchanged base first): chr17-31350247-TC-T. GRCh37 (hg19) VCF-style: chr17-29677265-TC-T.
Other names: c.7324delC, p.Thr2443Leufs (NM_000267.4); short protein forms T2443fs, T2464fs.
Identifiers: ClinVar variation 2677216 (VCV002677216.2), dbSNP rs2508805684, ClinGen allele CA2695201304.